The following is an entry in ClinVar:

NM_001039141.3(TRIOBP):c.4101G>A (p.Arg1367=)

Gene: TRIOBP (TRIO and F-actin binding protein; plus strand). Cytogenetic location: 22q13.1.
Variant type: single nucleotide variant.
Coding change: c.4101G>A on transcript NM_001039141.3 (MANE Select); coding-DNA position 4101, G replaced by A.
Protein change: p.Arg1367=; no amino-acid change (arginine 1367 retained).
Molecular consequence: synonymous variant.
Genome position (GRCh38, 1-based): chr22:37,734,437, G>A. VCF-style: chr22-37734437-G-A. GRCh37 (hg19) VCF-style: chr22-38130444-G-A.
Identifiers: ClinVar variation 179961 (VCV000179961.5), dbSNP rs727505244, ClinGen allele CA185518.
Genomic context (GRCh38, chr22:37,734,437, plus strand): 5'-TACCCCCTCACCTCATCCCCAGGTGACCATGCTCCCTGCCAAACAGGCAGAACTGACCCG[G>A]CGGAGCCAAGCAGAGCCCCCTCATCCTTGGAGTCCTGAGAAGAGACCTGAGGGAGATCGG-3'
Protein context (NP_001034230.1, residues 1357-1377): MLPAKQAELT[Arg1367=]RSQAEPPHPW

ClinVar aggregate classification (germline): Likely benign (1 of 4 stars; one submission).

Allele frequency attached by ClinVar (database versions not stated): TOPMed below 0.00001.

Submission:

Laboratory for Molecular Medicine, Mass General Brigham Personalized Medicine
Classification: Likely benign. Last evaluated: 2014-08-19. Review status: criteria provided, single submitter. Criteria: LMM Criteria. Collection method: clinical testing. Allele origin: germline. Observed: 1 variant allele.
Comment: Arg1367Arg in exon 9 of TRIOBP: This variant is not expected to have clinical si gnificance because it does not alter an amino acid residue and is not located wi thin the splice consensus sequence.